The following is an entry in ClinVar:

NM_000081.4(LYST):c.5020A>G (p.Asn1674Asp)

Gene: LYST (lysosomal trafficking regulator; minus strand). Cytogenetic location: 1q42.3.
Variant type: single nucleotide variant.
Coding change: c.5020A>G on transcript NM_000081.4 (MANE Select); coding-DNA position 5020, A replaced by G.
Protein change: p.Asn1674Asp; replaces asparagine 1674 with aspartic acid.
Molecular consequence: missense variant.
Genome position (GRCh38, 1-based): chr1:235,781,930, T>C on the plus strand (A>G on the coding strand, the complement: LYST is on the minus strand). VCF-style: chr1-235781930-T-C. GRCh37 (hg19) VCF-style: chr1-235945230-T-C.
Other names: c.5020A>G, p.Asn1674Asp (NM_001301365.1); c.5020A>G (NM_000081.2); short protein forms N1674D.
Identifiers: ClinVar variation 1414781 (VCV001414781.4), dbSNP rs752075448, ClinGen allele CA1466715.

ClinVar aggregate classification (germline): Uncertain significance. Review status: criteria provided, multiple submitters, no conflicts (2 of 4 stars). 3 submissions from 3 submitters: Uncertain significance (3). Last evaluated 2026-02-11.

Conditions:
Inborn genetic diseases. Identifiers: MedGen C0950123, MeSH D030342.
Chédiak-Higashi syndrome (CHS). Also called: Chediak-Higashi Syndrome. Identifiers: Orphanet 167, MedGen C0007965, MONDO:0008963, OMIM 214500.

Allele frequency attached by ClinVar (database versions not stated): gnomAD 0.00001; TOPMed 0.00001; ExAC 0.00002; gnomAD exomes 0.00002.
gnomAD v4.1: 35 of 1,609,124 alleles (0.0022%); highest among the groups gnomAD compares: Non-Finnish European, 0.0028%; no homozygotes.

Submissions (3):

Women's Health and Genetics/Laboratory Corporation of America, LabCorp
Classification: Uncertain significance. Last evaluated: 2026-02-11. Review status: criteria provided, single submitter. Criteria: LabCorp Variant Classification Summary - May 2015. Collection method: clinical testing. Allele origin: germline.
Comment: Variant summary: LYST c.5020A>G (p.Asn1674Asp) results in a conservative amino acid change in the encoded protein sequence. Algorithms developed to predict the effect of missense changes on protein structure and function are either unavailable or do not agree on the potential impact of this missense change. The variant allele was found at a frequency of 8e-06 in 250336 control chromosomes. The available data on variant occurrences in the general population are insufficient to allow any conclusion about variant significance. To our knowledge, no occurrence of c.5020A>G in individuals affected with LYST-related conditions and no experimental evidence demonstrating its impact on protein function have been reported. ClinVar contains an entry for this variant (Variation ID: 1414781). Based on the evidence outlined above, the variant was classified as uncertain significance.

Labcorp Genetics (formerly Invitae), Labcorp
Classification: Uncertain significance for Chédiak-Higashi syndrome. Last evaluated: 2022-05-24. Review status: criteria provided, single submitter. Criteria: Invitae Variant Classification Sherloc (09022015). Collection method: clinical testing. Allele origin: germline.
Comment: This sequence change replaces asparagine, which is neutral and polar, with aspartic acid, which is acidic and polar, at codon 1674 of the LYST protein (p.Asn1674Asp). This variant is present in population databases (rs752075448, gnomAD 0.002%). This variant has not been reported in the literature in individuals affected with LYST-related conditions. Algorithms developed to predict the effect of missense changes on protein structure and function (SIFT, PolyPhen-2, Align-GVGD) all suggest that this variant is likely to be tolerated. In summary, the available evidence is currently insufficient to determine the role of this variant in disease. Therefore, it has been classified as a Variant of Uncertain Significance.

Ambry Genetics
Classification: Uncertain significance for Inborn genetic diseases. Last evaluated: 2022-02-24. Review status: criteria provided, single submitter. Criteria: Ambry Variant Classification Scheme 2023. Collection method: clinical testing. Allele origin: germline.